The following is an entry in ClinVar:

ClinVar aggregate classification (germline): Likely benign (0 of 4 stars; one submission).

Conditions:
SLC6A20-related disorder. Also called: SLC6A20-related condition.

Allele frequency attached by ClinVar (database versions not stated): gnomAD exomes 0.00003; ESP Exome Variant Server 0.00008; ExAC 0.00012.
gnomAD v4.1: 90 of 1,604,928 alleles (0.0056%); highest among the groups gnomAD compares: African/African-American, 0.029%; no homozygotes.

Submission:

PreventionGenetics, part of Exact Sciences
Classification: Likely benign for SLC6A20-related condition. Last evaluated: 2019-06-12. Review status: no assertion criteria provided. Collection method: clinical testing. Allele origin: germline.
Comment: This variant is classified as likely benign based on ACMG/AMP sequence variant interpretation guidelines (Richards et al. 2015 PMID: 25741868, with internal and published modifications).

NM_020208.4(SLC6A20):c.318C>T (p.Asn106=)

Gene: SLC6A20 (solute carrier family 6 member 20; minus strand). Cytogenetic location: 3p21.31.
Variant type: single nucleotide variant.
Coding change: c.318C>T on transcript NM_020208.4 (MANE Select); coding-DNA position 318, C replaced by T.
Protein change: p.Asn106=; no amino-acid change (asparagine 106 retained).
Molecular consequence: synonymous variant. On other transcripts: non-coding transcript variant (2).
Genome position (GRCh38, 1-based): chr3:45,780,045, G>A on the plus strand (C>T on the coding strand, the complement: SLC6A20 is on the minus strand). VCF-style: chr3-45780045-G-A. GRCh37 (hg19) VCF-style: chr3-45821537-G-A.
Other names: c.318C>T, p.Asn106= (NM_001385683.1, NM_001406066.1, NM_001406069.1 and 1 more transcripts); c.177C>T, p.Asn59= (NM_001406067.1).
Identifiers: ClinVar variation 3033112 (VCV003033112.2), dbSNP rs145298212, ClinGen allele CA2351669.